The following is an entry in ClinVar:

NM_002900.3(RBP3):c.1853T>C (p.Leu618Pro)

Gene: RBP3 (retinol binding protein 3; plus strand). Cytogenetic location: 10q11.22.
Variant type: single nucleotide variant.
Coding change: c.1853T>C on transcript NM_002900.3 (MANE Select); coding-DNA position 1853, T replaced by C.
Protein change: p.Leu618Pro; replaces leucine 618 with proline.
Molecular consequence: missense variant.
Genome position (GRCh38, 1-based): chr10:47,350,337, T>C. VCF-style: chr10-47350337-T-C. GRCh37 (hg19) VCF-style: chr10-48389025-A-G.
Other names: short protein forms L618P.
Identifiers: ClinVar variation 1373887 (VCV001373887.6), dbSNP rs782225623, ClinGen allele CA5487412.

ClinVar aggregate classification (germline): Uncertain significance. Review status: criteria provided, multiple submitters, no conflicts (2 of 4 stars). 2 submissions from 2 submitters: Uncertain significance (2). Last evaluated 2021-10-05.

Allele frequency attached by ClinVar (database versions not stated): gnomAD 0.00001; gnomAD exomes 0.00003 and 0.00004; ExAC 0.00010.
gnomAD v4.1: 42 of 1,611,710 alleles (0.0026%); highest among the groups gnomAD compares: South Asian, 0.043%; no homozygotes.

Submissions (2):

Blueprint Genetics
Classification: Uncertain significance. Last evaluated: 2021-10-05. Review status: criteria provided, single submitter. Criteria: ACMG Guidelines, 2015. Collection method: clinical testing. Allele origin: germline.

Labcorp Genetics (formerly Invitae), Labcorp
Classification: Uncertain significance. Last evaluated: 2021-09-02. Review status: criteria provided, single submitter. Criteria: Invitae Variant Classification Sherloc (09022015). Collection method: clinical testing. Allele origin: germline.
Comment: This sequence change replaces leucine with proline at codon 618 of the RBP3 protein (p.Leu618Pro). The leucine residue is highly conserved and there is a moderate physicochemical difference between leucine and proline. This variant is present in population databases (rs782225623, ExAC 0.06%). This variant has not been reported in the literature in individuals affected with RBP3-related conditions. Algorithms developed to predict the effect of missense changes on protein structure and function are either unavailable or do not agree on the potential impact of this missense change (SIFT: "Deleterious"; PolyPhen-2: "Possibly Damaging"; Align-GVGD: "Class C0"). In summary, the available evidence is currently insufficient to determine the role of this variant in disease. Therefore, it has been classified as a Variant of Uncertain Significance.